The following is an entry in ClinVar:

ClinVar aggregate classification (germline): Uncertain significance (1 of 4 stars; one submission).

Conditions:
CEBALID syndrome (CEBALID). Also called: MN1 C-TERMINAL TRUNCATION SYNDROME; CRANIOFACIAL DEFECTS, DYSMORPHIC EARS, STRUCTURAL BRAIN ABNORMALITIES, EXPRESSIVE LANGUAGE DELAY, AND IMPAIRED INTELLECTUAL DEVELOPMENT. Identifiers: Orphanet 693549, MedGen C5394044, MONDO:0032908, OMIM 618774.

Allele frequency attached by ClinVar (database versions not stated): gnomAD exomes 0.00001; ExAC 0.00001; TOPMed below 0.00001; gnomAD 0.00001.

Submission:

Victorian Clinical Genetics Services, Murdoch Childrens Research Institute
Classification: Uncertain significance for CEBALID syndrome. Last evaluated: 2022-02-02. Review status: criteria provided, single submitter. Criteria: ACMG Guidelines, 2015. Collection method: clinical testing. Allele origin: germline. Inheritance: Autosomal dominant inheritance.
Comment: Based on the classification scheme VCGS_Germline_v1.3.4, this variant is classified as VUS-3B. Following criteria are met: 0103 - Loss of function and gain of function are known mechanisms of disease in this gene and are associated with CEBALID syndrome (MIM# 618774). Gain of function is the predominant disease mechanism for truncating variants at the C-terminus, whereas loss of function has also been reported in a small number of NMD predicted variants in patients with CEBALID syndrome (PMID: 31834374, 33351070, 33351141). (I) 0107 - This gene is associated with autosomal dominant disease. (I) 0115 - Variants in this gene are known to have variable expressivity. Individuals with NMD predicted vairants have milder and variable phenotypes compared to others with truncating variants (PMID: 31834374, 33351070, 33351141). (I) 0200 - Variant is predicted to result in a missense amino acid change from serine to leucine. (I) 0251 - This variant is heterozygous. (I) 0302 - Variant is present in gnomAD (v2) <0.001 for a dominant condition (2 heterozygotes, 0 homozygotes). (SP) 0502 - Missense variant with conflicting in silico predictions and uninformative conservation. (I) 0604 - Variant is not located in an established domain, motif, hotspot or informative constraint region. (I) 0705 - No comparable missense variants have previous evidence for pathogenicity. (I) 0807 - This variant has no previous evidence of pathogenicity. (I) 0905 - No published segregation evidence has been identified for this variant. (I) 1007 - No published functional evidence has been identified for this variant. (I) 1208 - Inheritance information for this variant is not currently available in this individual. (I) Legend: (SP) - Supporting pathogenic, (I) - Information, (SB) - Supporting benign

Literature cited by the submitters: PubMed 31834374; PubMed 33351070; PubMed 33351141.

NM_002430.3(MN1):c.2783C>T (p.Ser928Leu)

Gene: MN1 (MN1 proto-oncogene, transcriptional regulator; minus strand). Cytogenetic location: 22q12.1.
Variant type: single nucleotide variant.
Coding change: c.2783C>T on transcript NM_002430.3 (MANE Select); coding-DNA position 2783, C replaced by T.
Protein change: p.Ser928Leu; replaces serine 928 with leucine.
Molecular consequence: missense variant.
Genome position (GRCh38, 1-based): chr22:27,797,761, G>A on the plus strand (C>T on the coding strand, the complement: MN1 is on the minus strand). VCF-style: chr22-27797761-G-A. GRCh37 (hg19) VCF-style: chr22-28193749-G-A.
Other names: short protein forms S928L.
Identifiers: ClinVar variation 1699261 (VCV001699261.3), dbSNP rs746306235, ClinGen allele CA10166188.